The following is an entry in ClinVar:

ClinVar aggregate classification (germline): Uncertain significance. Review status: criteria provided, multiple submitters, no conflicts (2 of 4 stars). 3 submissions from 3 submitters: Uncertain significance (3). Last evaluated 2025-04-09.

Conditions:
Inborn genetic diseases. Identifiers: MedGen C0950123, MeSH D030342.

Allele frequency attached by ClinVar (database versions not stated): gnomAD exomes 0.00001 and below 0.00001; gnomAD 0.00003 and 0.00002; TOPMed 0.00003.
gnomAD v4.1: 12 of 1,613,994 alleles (0.00074%); highest among the groups gnomAD compares: Admixed American, 0.0033%; no homozygotes.

Submissions (3):

Ambry Genetics
Classification: Uncertain significance for Inborn genetic diseases. Last evaluated: 2025-04-09. Review status: criteria provided, single submitter. Criteria: Ambry Variant Classification Scheme 2023. Collection method: clinical testing. Allele origin: germline.

Labcorp Genetics (formerly Invitae), Labcorp
Classification: Uncertain significance. Last evaluated: 2022-11-15. Review status: criteria provided, single submitter. Criteria: Invitae Variant Classification Sherloc (09022015). Collection method: clinical testing. Allele origin: germline.
Comment: ClinVar contains an entry for this variant (Variation ID: 1481787). This variant has not been reported in the literature in individuals affected with PPCS-related conditions. This variant is present in population databases (no rsID available, gnomAD 0.004%). This sequence change replaces alanine, which is neutral and non-polar, with threonine, which is neutral and polar, at codon 237 of the PPCS protein (p.Ala237Thr). Advanced modeling of protein sequence and biophysical properties (such as structural, functional, and spatial information, amino acid conservation, physicochemical variation, residue mobility, and thermodynamic stability) performed at Invitae indicates that this missense variant is not expected to disrupt PPCS protein function. In summary, the available evidence is currently insufficient to determine the role of this variant in disease. Therefore, it has been classified as a Variant of Uncertain Significance.

Breakthrough Genomics
Classification: Uncertain significance. Review status: criteria provided, single submitter. Criteria: ACMG Guidelines, 2015. Collection method: not provided. Allele origin: germline. Inheritance: Autosomal recessive inheritance. Affected: yes.

NM_024664.4(PPCS):c.709G>A (p.Ala237Thr)

Genes: CCDC30 (coiled-coil domain containing 30; plus strand), PPCS (phosphopantothenoylcysteine synthetase; plus strand). Cytogenetic location: 1p34.2.
Variant type: single nucleotide variant.
Coding change: c.709G>A on transcript NM_024664.4 (MANE Select); coding-DNA position 709, G replaced by A.
Protein change: p.Ala237Thr; replaces alanine 237 with threonine.
Molecular consequence: missense variant. On other transcripts: intron variant (2).
Genome position (GRCh38, 1-based): chr1:42,459,699, G>A. VCF-style: chr1-42459699-G-A. GRCh37 (hg19) VCF-style: chr1-42925370-G-A.
Other names: c.190G>A, p.Ala64Thr (NM_001077447.3, NM_001287506.1, NM_001287508.2 and 2 more transcripts); c.91G>A, p.Ala31Thr (NM_001287507.1); c.-880+2349G>A (NM_001355226.2); c.612+2349G>A (NM_001287511.2); short protein forms A31T, A64T, A237T.
Identifiers: ClinVar variation 1481787 (VCV001481787.49), dbSNP rs1482478128, ClinGen allele CA339949550.